The following is an entry in ClinVar:

NM_000388.4(CASR):c.1054T>C (p.Trp352Arg)

Gene: CASR (calcium sensing receptor; plus strand). Cytogenetic location: 3q21.1.
Variant type: single nucleotide variant.
Coding change: c.1054T>C on transcript NM_000388.4 (MANE Select); coding-DNA position 1054, T replaced by C.
Protein change: p.Trp352Arg; replaces tryptophan 352 with arginine.
Molecular consequence: missense variant.
Genome position (GRCh38, 1-based): chr3:122,262,089, T>C. VCF-style: chr3-122262089-T-C. GRCh37 (hg19) VCF-style: chr3-121980936-T-C.
Other names: c.1054T>C, p.Trp352Arg (NM_001178065.2); short protein forms W352R.
Identifiers: ClinVar variation 1465329 (VCV001465329.8), dbSNP rs2107632817, ClinGen allele CA354152415.

ClinVar aggregate classification (germline): Uncertain significance (1 of 4 stars; one submission).

Conditions:
Familial hypocalciuric hypercalcemia (FHH). Also called: Familial benign hypercalcemia. Identifiers: Orphanet 405, MedGen C1809471, MONDO:0018458.
Autosomal dominant hypocalcemia 1 (HYPOC1). Also called: HYPOCALCEMIA, FAMILIAL. Identifiers: MedGen C3715128, MONDO:0011013, OMIM 601198.

Submission:

Labcorp Genetics (formerly Invitae), Labcorp
Classification: Uncertain significance for Familial hypocalciuric hypercalcemia; Autosomal dominant hypocalcemia 1. Last evaluated: 2021-07-09. Review status: criteria provided, single submitter. Criteria: Invitae Variant Classification Sherloc (09022015). Collection method: clinical testing. Allele origin: germline.
Comment: This sequence change replaces tryptophan with arginine at codon 352 of the CASR protein (p.Trp352Arg). The tryptophan residue is highly conserved and there is a moderate physicochemical difference between tryptophan and arginine. This variant is not present in population databases (ExAC no frequency). This variant has not been reported in the literature in individuals affected with CASR-related conditions. Algorithms developed to predict the effect of missense changes on protein structure and function (SIFT, PolyPhen-2, Align-GVGD) all suggest that this variant is likely to be disruptive. In summary, the available evidence is currently insufficient to determine the role of this variant in disease. Therefore, it has been classified as a Variant of Uncertain Significance.